The following is an entry in ClinVar:

ClinVar aggregate classification (germline): Uncertain significance. Review status: criteria provided, multiple submitters, no conflicts (2 of 4 stars). 2 submissions from 2 submitters: Uncertain significance (2). Last evaluated 2024-08-13.

Allele frequency attached by ClinVar (database versions not stated): gnomAD exomes below 0.00001; TOPMed 0.00001.
gnomAD v4.1: 3 of 1,535,292 alleles (0.0002%); highest among the groups gnomAD compares: Non-Finnish European, 0.00017%; no homozygotes.

Submissions (2):

GeneDx
Classification: Uncertain significance. Last evaluated: 2024-08-13. Review status: criteria provided, single submitter. Criteria: GeneDx Variant Classification Process June 2021. Collection method: clinical testing. Allele origin: germline. Affected: yes.
Comment: Not observed at significant frequency in large population cohorts (gnomAD); In silico analysis indicates that this missense variant does not alter protein structure/function; Has not been previously published as pathogenic or benign to our knowledge

Labcorp Genetics (formerly Invitae), Labcorp
Classification: Uncertain significance. Last evaluated: 2022-05-09. Review status: criteria provided, single submitter. Criteria: Invitae Variant Classification Sherloc (09022015). Collection method: clinical testing. Allele origin: germline.
Comment: This sequence change replaces glutamine, which is neutral and polar, with histidine, which is basic and polar, at codon 368 of the ERCC2 protein (p.Gln368His). This variant is not present in population databases (gnomAD no frequency). This variant has not been reported in the literature in individuals affected with ERCC2-related conditions. Algorithms developed to predict the effect of missense changes on protein structure and function are either unavailable or do not agree on the potential impact of this missense change (SIFT: "Deleterious"; PolyPhen-2: "Possibly Damaging"; Align-GVGD: "Class C0"). In summary, the available evidence is currently insufficient to determine the role of this variant in disease. Therefore, it has been classified as a Variant of Uncertain Significance.

NM_000400.4(ERCC2):c.1104G>C (p.Gln368His)

Gene: ERCC2 (ERCC excision repair 2, TFIIH core complex helicase subunit; minus strand). Cytogenetic location: 19q13.32.
Variant type: single nucleotide variant.
Coding change: c.1104G>C on transcript NM_000400.4 (MANE Select); coding-DNA position 1104, G replaced by C.
Protein change: p.Gln368His; replaces glutamine 368 with histidine.
Molecular consequence: missense variant.
Genome position (GRCh38, 1-based): chr19:45,363,757, C>G on the plus strand (G>C on the coding strand, the complement: ERCC2 is on the minus strand). VCF-style: chr19-45363757-C-G. GRCh37 (hg19) VCF-style: chr19-45867015-C-G.
Other names: c.1032G>C, p.Gln344His (NM_001130867.2); short protein forms Q344H, Q368H.
Identifiers: ClinVar variation 2176659 (VCV002176659.2), dbSNP rs1227321118, ClinGen allele CA406372041.